The following is an entry in ClinVar:

ClinVar aggregate classification (germline): Pathogenic/Likely pathogenic. Review status: criteria provided, multiple submitters, no conflicts (2 of 4 stars). 2 submissions from 2 submitters: Pathogenic (1); Likely pathogenic (1). Last evaluated 2025-10-03.

Conditions:
Cystinuria (CSNU). Also called: Cystinuria, non-type I; CYSTINURIA, TYPE I; CYSTINURIA, TYPE II; CYSTINURIA, TYPE III. Identifiers: Orphanet 214, MedGen C0010691, MONDO:0009067, OMIM 220100, HP:0003131.

Allele frequency attached by ClinVar (database versions not stated): TOPMed below 0.00001; ExAC 0.00001; gnomAD exomes 0.00001.
gnomAD v4.1: 13 of 1,610,080 alleles (0.00081%); highest among the groups gnomAD compares: Non-Finnish European, 0.001%; no homozygotes.

Submissions (2):

Rare Kidney Stone Consortium and the Mayo Clinic Hyperoxaluria Center, Mayo Clinic
Classification: Pathogenic for Cystinuria. Last evaluated: 2025-10-03. Review status: criteria provided, single submitter. Criteria: ACMG Guidelines, 2015. Collection method: research. Allele origin: germline. Affected: yes. Observed: 2 variant alleles.
Comment: ACMG:PM1, PM2, PM3, PP3, PP4

Labcorp Genetics (formerly Invitae), Labcorp
Classification: Likely pathogenic for Cystinuria. Last evaluated: 2023-06-09. Review status: criteria provided, single submitter. Criteria: Invitae Variant Classification Sherloc (09022015). Collection method: clinical testing. Allele origin: germline.
Comment: In summary, the currently available evidence indicates that the variant is pathogenic, but additional data are needed to prove that conclusively. Therefore, this variant has been classified as Likely Pathogenic. Advanced modeling of protein sequence and biophysical properties (such as structural, functional, and spatial information, amino acid conservation, physicochemical variation, residue mobility, and thermodynamic stability) has been performed at Invitae for this missense variant, however the output from this modeling did not meet the statistical confidence thresholds required to predict the impact of this variant on SLC3A1 protein function. This missense change has been observed in individuals with cystinuria (PMID: 11748844). This variant is present in population databases (rs778354350, gnomAD 0.002%). This sequence change replaces tyrosine, which is neutral and polar, with cysteine, which is neutral and slightly polar, at codon 151 of the SLC3A1 protein (p.Tyr151Cys).

Literature cited by the submitters: PubMed 11748844 (cited by Rare Kidney Stone Consortium and the Mayo Clinic Hyperoxaluria Center, Mayo Clinic and Labcorp Genetics (formerly Invitae), Labcorp); PubMed 28812535 (cited by Rare Kidney Stone Consortium and the Mayo Clinic Hyperoxaluria Center, Mayo Clinic); PubMed 40794449 (cited by Rare Kidney Stone Consortium and the Mayo Clinic Hyperoxaluria Center, Mayo Clinic).

NM_000341.4(SLC3A1):c.452A>G (p.Tyr151Cys)

Gene: SLC3A1 (solute carrier family 3 member 1; plus strand). Cytogenetic location: 2p21.
Variant type: single nucleotide variant.
Coding change: c.452A>G on transcript NM_000341.4 (MANE Select); coding-DNA position 452, A replaced by G.
Protein change: p.Tyr151Cys; replaces tyrosine 151 with cysteine.
Molecular consequence: missense variant.
Genome position (GRCh38, 1-based): chr2:44,280,737, A>G. VCF-style: chr2-44280737-A-G. GRCh37 (hg19) VCF-style: chr2-44507876-A-G.
Other names: short protein forms Y151C.
Identifiers: ClinVar variation 2734172 (VCV002734172.4), dbSNP rs778354350, ClinGen allele CA1640137.
Genomic context (GRCh38, chr2:44,280,737, plus strand): 5'-AAAGTAGGGTTTATTCATGACTTTGACTTTTTTCTTCAGGTATTCAAGATAAACTGGACT[A>G]CATCACAGCTTTAAATATAAAAACTGTTTGGATTACTTCATTTTATAAATCGTCCCTTAA-3'
Protein context (NP_000332.2, residues 141-161): DLKGIQDKLD[Tyr151Cys]ITALNIKTVW